The following is an entry in ClinVar:

NM_001005242.3(PKP2):c.748C>A (p.Arg250Ser)

Gene: PKP2 (plakophilin 2; minus strand). Cytogenetic location: 12p11.21.
Variant type: single nucleotide variant.
Coding change: c.748C>A on transcript NM_001005242.3 (MANE Select); coding-DNA position 748, C replaced by A.
Protein change: p.Arg250Ser; replaces arginine 250 with serine.
Molecular consequence: missense variant.
Genome position (GRCh38, 1-based): chr12:32,878,132, G>T on the plus strand (C>A on the coding strand, the complement: PKP2 is on the minus strand). VCF-style: chr12-32878132-G-T. GRCh37 (hg19) VCF-style: chr12-33031066-G-T.
Other names: c.748C>A, p.Arg250Ser (NM_004572.4); short protein forms R250S.
Identifiers: ClinVar variation 629993 (VCV000629993.6), dbSNP rs577631447, ClinGen allele CA384362796.

ClinVar aggregate classification (germline): Uncertain significance (1 of 4 stars; one submission).

Conditions:
Cardiomyopathy (CMYO). Also called: Cardiomyopathies. Identifiers: Orphanet 167848, MedGen C0878544, MONDO:0004994, HP:0001638. Inheritance: Various modes of inheritance.

Submission:

Color Diagnostics, LLC DBA Color Health
Classification: Uncertain significance for Cardiomyopathy. Last evaluated: 2023-12-05. Review status: criteria provided, single submitter. Criteria: ACMG Guidelines, 2015. Collection method: clinical testing. Allele origin: germline.
Comment: This missense variant is located in the head domain of the PKP2 protein. Computational prediction tools and conservation analyses suggest that this variant may not impact the protein function. Computational splicing tools suggest that this variant may not impact RNA splicing. To our knowledge, functional assays have not been performed for this variant nor has the variant been reported in individuals affected with cardiovascular disease in the literature. This variant has not been identified in the general population by the Genome Aggregation Database (gnomAD). Available evidence is insufficient to determine the role of this variant in disease conclusively. Therefore, this variant is classified as a Variant of Uncertain Significance.